The following is an entry in ClinVar:

ClinVar aggregate classification (germline): Conflicting classifications of pathogenicity. Review status: criteria provided, conflicting classifications (1 of 4 stars). 7 submissions from 7 submitters: Uncertain significance (5); Likely benign (2). Last evaluated 2025-08-19.

Conditions:
MSH6-related disorder. Also called: MSH6-related condition; MSH6-Related disorders.
Hereditary nonpolyposis colorectal neoplasms. Identifiers: MedGen C0009405, MeSH D003123.
Hereditary cancer-predisposing syndrome. Also called: Hereditary Cancer Syndrome; Hereditary neoplastic syndrome; Tumor predisposition; Neoplastic Syndromes, Hereditary. Identifiers: Orphanet 140162, MedGen C0027672, MeSH D009386, MONDO:0015356.
Lynch syndrome. Identifiers: Orphanet 144, MedGen C4552100, MONDO:0005835. Disease mechanism: loss of function.

Allele frequency attached by ClinVar (database versions not stated): TOPMed 0.00001; gnomAD exomes 0.00002.
gnomAD v4.1: 3 of 1,509,352 alleles (0.0002%); highest among the groups gnomAD compares: Non-Finnish European, 0.00027%; no homozygotes.

Submissions (7):

Ambry Genetics
Classification: Likely benign for Hereditary cancer-predisposing syndrome. Last evaluated: 2025-08-19. Review status: criteria provided, single submitter. Criteria: Ambry Variant Classification Scheme 2023. Collection method: clinical testing. Allele origin: germline.

Labcorp Genetics (formerly Invitae), Labcorp
Classification: Likely benign for Hereditary nonpolyposis colorectal neoplasms. Last evaluated: 2025-06-08. Review status: criteria provided, single submitter. Criteria: Invitae Variant Classification Sherloc (09022015). Collection method: clinical testing. Allele origin: germline.

Color Diagnostics, LLC DBA Color Health
Classification: Uncertain significance for Hereditary cancer-predisposing syndrome. Last evaluated: 2024-03-06. Review status: criteria provided, single submitter. Criteria: ACMG Guidelines, 2015. Collection method: clinical testing. Allele origin: germline.
Comment: This variant is located in the MSH6 protein. Computational prediction suggests that this variant may not impact protein structure and function (internally defined REVEL score threshold <= 0.5, PMID: 27666373). To our knowledge, functional studies have not been reported for this variant. This variant has not been reported in individuals affected with MSH6-related disorders in the literature. This variant has been identified in 2/112060 chromosomes in the general population by the Genome Aggregation Database (gnomAD). The available evidence is insufficient to determine the role of this variant in disease conclusively. Therefore, this variant is classified as a Variant of Uncertain Significance.

All of Us Research Program, National Institutes of Health
Classification: Uncertain significance for Lynch syndrome. Last evaluated: 2023-09-17. Review status: criteria provided, single submitter. Criteria: ACMG Guidelines, 2015. Collection method: clinical testing. Allele origin: germline. Inheritance: Autosomal dominant inheritance. Observed: 1 variant allele, 1 heterozygote.
Comment: This variant is located in the MSH6 protein. Computational prediction suggests that this variant may not impact protein structure and function (internally defined REVEL score threshold <= 0.5, PMID: 27666373). To our knowledge, functional studies have not been reported for this variant. This variant has not been reported in individuals affected with MSH6-related disorders in the literature. This variant has been identified in 2/112060 chromosomes in the general population by the Genome Aggregation Database (gnomAD). The available evidence is insufficient to determine the role of this variant in disease conclusively. Therefore, this variant is classified as a Variant of Uncertain Significance.

This study involves interpretation of variants in research participants for the purpose of population health screening. Participant phenotype was not available at the time of variant classification. Additional details can be found in publication PMID: 35346344, PMCID: PMC8962531

PreventionGenetics, part of Exact Sciences
Classification: Uncertain significance for MSH6-related condition. Last evaluated: 2023-05-30. Review status: criteria provided, single submitter. Criteria: ACMG Guidelines, 2015. Collection method: clinical testing. Allele origin: germline.
Comment: The MSH6 c.190G>C variant is predicted to result in the amino acid substitution p.Ala64Pro. This variant is reported in 0.0044% of alleles in individuals of European (Non-Finnish) descent in gnomAD. In ClinVar, this variant is interpreted as uncertain. At this time, the clinical significance of this variant is uncertain due to the absence of conclusive functional and genetic evidence.

Quest Diagnostics Nichols Institute San Juan Capistrano
Classification: Uncertain significance. Last evaluated: 2018-05-04. Review status: criteria provided, single submitter. Criteria: Quest Diagnostics criteria. Collection method: clinical testing. Allele origin: germline.

GeneDx
Classification: Uncertain significance. Last evaluated: 2014-02-07. Review status: criteria provided, single submitter. Criteria: GeneDx Variant Classification (06012015). Collection method: clinical testing. Allele origin: germline. Affected: yes.
Comment: This variant is denoted MSH6 c.190G>C at the cDNA level, p.Ala64Pro (A64P) at the protein level, and results in the change of an Alanine to a Proline (GCG>CCG). This variant has not, to our knowledge, been published in the literature as pathogenic or benign. MSH6 Ala64Pro was not observed in approximately 6,500 individuals of European and African American ancestry in the NHLBI Exome Sequencing Project, indicating it is not a common benign variant in these populations. The MSH6 Ala64Pro variant is a semi-conservative amino acid substitution, which may impact secondary protein structure as these residues differ in some properties. The variant occurs at a position that is moderately conserved throughout evolution and is not located in a known functional domain. In silico analyses predict this variant to have a benign effect on protein structure and function. Based on currently available information, it is unclear whether MSH6 Ala64Pro is pathogenic or benign. We consider it to be a variant of uncertain significance.

NM_000179.3(MSH6):c.190G>C (p.Ala64Pro)

Gene: MSH6 (mutS homolog 6; plus strand). Cytogenetic location: 2p16.3.
Variant type: single nucleotide variant.
Coding change: c.190G>C on transcript NM_000179.3 (MANE Select); coding-DNA position 190, G replaced by C.
Protein change: p.Ala64Pro; replaces alanine 64 with proline.
Molecular consequence: missense variant. On other transcripts: 5 prime UTR variant (1).
Genome position (GRCh38, 1-based): chr2:47,783,423, G>C. VCF-style: chr2-47783423-G-C. GRCh37 (hg19) VCF-style: chr2-48010562-G-C.
Other names: p.A64P:GCG>CCG; c.190G>C, p.Ala64Pro (NM_001281492.2); c.-547G>C (NM_001281493.2); short protein forms A64P.
Identifiers: ClinVar variation 127567 (VCV000127567.36), dbSNP rs587779921, ClinGen allele CA009439.